The following is an entry in ClinVar:

ClinVar aggregate classification (germline): Uncertain significance. Review status: criteria provided, multiple submitters, no conflicts (2 of 4 stars). 2 submissions from 2 submitters: Uncertain significance (2). Last evaluated 2025-06-24.

Conditions:
Inborn genetic diseases. Identifiers: MedGen C0950123, MeSH D030342.

Allele frequency attached by ClinVar (database versions not stated): gnomAD 0.00003; TOPMed 0.00004; ESP Exome Variant Server 0.00008; ExAC 0.00003.

Submissions (2):

Ambry Genetics
Classification: Uncertain significance for Inborn genetic diseases. Last evaluated: 2025-06-24. Review status: criteria provided, single submitter. Criteria: Ambry Variant Classification Scheme 2023. Collection method: clinical testing. Allele origin: germline.

Labcorp Genetics (formerly Invitae), Labcorp
Classification: Uncertain significance. Last evaluated: 2022-07-15. Review status: criteria provided, single submitter. Criteria: Invitae Variant Classification Sherloc (09022015). Collection method: clinical testing. Allele origin: germline.
Comment: In summary, the available evidence is currently insufficient to determine the role of this variant in disease. Therefore, it has been classified as a Variant of Uncertain Significance. Algorithms developed to predict the effect of sequence changes on RNA splicing suggest that this variant may create or strengthen a splice site. Algorithms developed to predict the effect of missense changes on protein structure and function output the following: SIFT: "Deleterious"; PolyPhen-2: "Possibly Damaging"; Align-GVGD: "Class C0". The arginine amino acid residue is found in multiple mammalian species, which suggests that this missense change does not adversely affect protein function. This variant has not been reported in the literature in individuals affected with WDR4-related conditions. This variant is present in population databases (rs148519692, gnomAD 0.008%). This sequence change replaces glycine, which is neutral and non-polar, with arginine, which is basic and polar, at codon 395 of the WDR4 protein (p.Gly395Arg).

NM_018669.6(WDR4):c.1183G>A (p.Gly395Arg)

Gene: WDR4 (WDR4 tRNA N7-guanosine methyltransferase non-catalytic subunit; minus strand). Cytogenetic location: 21q22.3.
Variant type: single nucleotide variant.
Coding change: c.1183G>A on transcript NM_018669.6 (MANE Select); coding-DNA position 1183, G replaced by A.
Protein change: p.Gly395Arg; replaces glycine 395 with arginine.
Molecular consequence: missense variant. On other transcripts: non-coding transcript variant (1).
Genome position (GRCh38, 1-based): chr21:42,850,105, C>T on the plus strand (G>A on the coding strand, the complement: WDR4 is on the minus strand). VCF-style: chr21-42850105-C-T. GRCh37 (hg19) VCF-style: chr21-44270215-C-T.
Other names: c.1183G>A (NM_018669.4); c.745G>A, p.Gly249Arg (NM_033662.2, NM_001260475.2, NM_001260476.2 and 1 more transcripts); c.1180G>A, p.Gly394Arg (NM_001260474.2); c.1183G>A, p.Gly395Arg (NM_033661.5); short protein forms G394R, G395R, G249R.
Identifiers: ClinVar variation 2079639 (VCV002079639.3), dbSNP rs148519692, ClinGen allele CA10045761.